The following is an entry in ClinVar:

ClinVar aggregate classification (germline): Likely pathogenic (1 of 4 stars; one submission).

Conditions:
Autosomal recessive limb-girdle muscular dystrophy type 2J (LGMDR10). Also called: Limb-girdle muscular dystrophy, type 2J; MUSCULAR DYSTROPHY, LIMB-GIRDLE, AUTOSOMAL RECESSIVE 10. Identifiers: Orphanet 140922, MedGen C1837342, MONDO:0012127, OMIM 608807.
Dilated cardiomyopathy 1G (CMD1G). Identifiers: Orphanet 154, MedGen C1858763, MONDO:0011400, OMIM 604145.

Submission:

Labcorp Genetics (formerly Invitae), Labcorp
Classification: Likely pathogenic for Dilated cardiomyopathy 1G; Autosomal recessive limb-girdle muscular dystrophy type 2J. Last evaluated: 2024-07-08. Review status: criteria provided, single submitter. Criteria: Invitae Variant Classification Sherloc (09022015). Collection method: clinical testing. Allele origin: germline.
Comment: This sequence change affects a donor splice site in intron 48 of the TTN gene. It is expected to disrupt RNA splicing and likely results in a truncated or disrupted TTN protein. This variant is not present in population databases (gnomAD no frequency). Disruption of this splice site has been observed in individual(s) with dilated cardiomyopathy (PMID: 25163546). Algorithms developed to predict the effect of sequence changes on RNA splicing suggest that this variant may disrupt the consensus splice site. This variant is located in the I band of TTN (PMID: 25589632). Truncating variants in this region have been reported in individuals affected with autosomal recessive centronuclear myopathy (PMID: 23975875, Invitae internal data). Truncating variants in this region have also been identified in individuals affected with autosomal dominant dilated cardiomyopathy and/or cardio-related conditions (PMID: 27869827, 32964742, Invitae internal data). In summary, the currently available evidence indicates that the variant is pathogenic, but additional data are needed to prove that conclusively. Therefore, this variant has been classified as Likely Pathogenic.

Literature cited by the submitters: PubMed 25163546; PubMed 25589632; PubMed 23975875; PubMed 27869827; PubMed 32964742.

NM_001267550.2(TTN):c.14092+1G>A

Gene: TTN (titin; minus strand). Cytogenetic location: 2q31.2.
Variant type: single nucleotide variant.
Coding change: c.14092+1G>A on transcript NM_001267550.2 (MANE Select); the canonical splice donor site of the intron after coding-DNA position 14092, G replaced by A.
Molecular consequence: splice donor variant. On other transcripts: intron variant (1).
Genome position (GRCh38, 1-based): chr2:178,739,140, C>T on the plus strand (G>A on the coding strand, the complement: TTN is on the minus strand). VCF-style: chr2-178739140-C-T. GRCh37 (hg19) VCF-style: chr2-179603867-C-T.
Other names: c.10361-780G>A (NM_133378.4); c.13141+1G>A (NM_001256850.1); c.13003+1G>A (NM_003319.4); c.13579+1G>A (NM_133437.4); c.13378+1G>A (NM_133432.3).
Identifiers: ClinVar variation 2931835 (VCV002931835.3), dbSNP rs2530589290, ClinGen allele CA349604661.